The following is an entry in ClinVar:

ClinVar aggregate classification (germline): Uncertain significance (1 of 4 stars; one submission).

Conditions:
Autosomal dominant nonsyndromic hearing loss 1. Also called: KONIGSMARK SYNDROME; DEAFNESS, AUTOSOMAL DOMINANT 1, WITH OR WITHOUT THROMBOCYTOPENIA. Identifiers: Orphanet 90635, MedGen C1852282, MONDO:0007424, OMIM 124900.
Progressive microcephaly-seizures-cortical blindness-developmental delay syndrome. Also called: Seizures, cortical blindness, and microcephaly syndrome. Identifiers: Orphanet 477814, MedGen C5567650, MONDO:0014714, OMIM 616632.

Submission:

Labcorp Genetics (formerly Invitae), Labcorp
Classification: Uncertain significance for Progressive microcephaly-seizures-cortical blindness-developmental delay syndrome; Autosomal dominant nonsyndromic hearing loss 1. Last evaluated: 2025-06-16. Review status: criteria provided, single submitter. Criteria: Invitae Variant Classification Sherloc (09022015). Collection method: clinical testing. Allele origin: germline.
Comment: This sequence change replaces threonine, which is neutral and polar, with alanine, which is neutral and non-polar, at codon 823 of the DIAPH1 protein (p.Thr823Ala). This variant is not present in population databases (gnomAD no frequency). This variant has not been reported in the literature in individuals affected with DIAPH1-related conditions. An algorithm developed to predict the effect of missense changes on protein structure and function (PolyPhen-2) suggests that this variant is likely to be tolerated. In summary, the available evidence is currently insufficient to determine the role of this variant in disease. Therefore, it has been classified as a Variant of Uncertain Significance.

NM_005219.5(DIAPH1):c.2467A>G (p.Thr823Ala)

Gene: DIAPH1 (diaphanous related formin 1; minus strand). Cytogenetic location: 5q31.3.
Variant type: single nucleotide variant.
Coding change: c.2467A>G on transcript NM_005219.5 (MANE Select); coding-DNA position 2467, A replaced by G.
Protein change: p.Thr823Ala; replaces threonine 823 with alanine.
Molecular consequence: missense variant.
Genome position (GRCh38, 1-based): chr5:141,571,932, T>C on the plus strand (A>G on the coding strand, the complement: DIAPH1 is on the minus strand). VCF-style: chr5-141571932-T-C. GRCh37 (hg19) VCF-style: chr5-140951499-T-C.
Other names: c.2440A>G, p.Thr814Ala (NM_001079812.3); c.2467A>G, p.Thr823Ala (NM_001314007.2); short protein forms T823A, T814A.
Identifiers: ClinVar variation 4789930 (VCV004789930.1).
Genomic context (GRCh38, chr5:141,571,932, plus strand): 5'-AAAAATATTCTAAGCCCTACACTGGACCTTTGCATCAAAGAGGAAGGTACTCACTCTTGG[T>C]CTGGGCAGAGAAGGTAAGGGTAAGTTTGGCGAAAAGTTCATTGTTCTCAAAGCGGTCCTC-3'
Protein context (NP_005210.3, residues 813-833): AKLTLTFSAQ[Thr823Ala]KTSKAKKDQE